The following is an entry in ClinVar:

ClinVar aggregate classification (germline): Uncertain significance (1 of 4 stars; one submission).

Conditions:
Ehlers-Danlos syndrome, dermatosparaxis type. Also called: Dermatosparaxis; Ehlers-Danlos syndrome, type VII, autosomal recessive; EDS VIIC. Identifiers: Orphanet 1901, MedGen C2700425, MONDO:0009161, OMIM 225410.

Allele frequency attached by ClinVar (database versions not stated): gnomAD exomes below 0.00001 and 0.00001; TOPMed below 0.00001; gnomAD 0.00001.
gnomAD v4.1: 7 of 1,602,588 alleles (0.00044%); highest among the groups gnomAD compares: Non-Finnish European, 0.00059%; no homozygotes.

Submission:

Labcorp Genetics (formerly Invitae), Labcorp
Classification: Uncertain significance for Ehlers-Danlos syndrome, dermatosparaxis type. Last evaluated: 2021-09-01. Review status: criteria provided, single submitter. Criteria: Invitae Variant Classification Sherloc (09022015). Collection method: clinical testing. Allele origin: germline.
Comment: This sequence change replaces tyrosine with histidine at codon 459 of the ADAMTS2 protein (p.Tyr459His). The tyrosine residue is highly conserved and there is a moderate physicochemical difference between tyrosine and histidine. This variant is not present in population databases (ExAC no frequency). This variant has not been reported in the literature in individuals affected with ADAMTS2-related conditions. Algorithms developed to predict the effect of missense changes on protein structure and function are either unavailable or do not agree on the potential impact of this missense change (SIFT: "Deleterious"; PolyPhen-2: "Benign"; Align-GVGD: "Class C65"). In summary, the available evidence is currently insufficient to determine the role of this variant in disease. Therefore, it has been classified as a Variant of Uncertain Significance.

NM_014244.5(ADAMTS2):c.1375T>C (p.Tyr459His)

Gene: ADAMTS2 (ADAM metallopeptidase with thrombospondin type 1 motif 2; minus strand). Cytogenetic location: 5q35.3.
Variant type: single nucleotide variant.
Coding change: c.1375T>C on transcript NM_014244.5 (MANE Select); coding-DNA position 1375, T replaced by C.
Protein change: p.Tyr459His; replaces tyrosine 459 with histidine.
Molecular consequence: missense variant.
Genome position (GRCh38, 1-based): chr5:179,154,056, A>G on the plus strand (T>C on the coding strand, the complement: ADAMTS2 is on the minus strand). VCF-style: chr5-179154056-A-G. GRCh37 (hg19) VCF-style: chr5-178581057-A-G.
Other names: c.1375T>C, p.Tyr459His (NM_021599.4); short protein forms Y459H.
Identifiers: ClinVar variation 837576 (VCV000837576.7), dbSNP rs1330093880, ClinGen allele CA362433207.